The following is an entry in ClinVar:

NM_021830.5(TWNK):c.553G>A (p.Val185Ile)

Gene: TWNK (twinkle mtDNA helicase; plus strand). Cytogenetic location: 10q24.31.
Variant type: single nucleotide variant.
Coding change: c.553G>A on transcript NM_021830.5 (MANE Select); coding-DNA position 553, G replaced by A.
Protein change: p.Val185Ile; replaces valine 185 with isoleucine.
Molecular consequence: missense variant. On other transcripts: non-coding transcript variant (4), intron variant (3).
Genome position (GRCh38, 1-based): chr10:100,988,763, G>A. VCF-style: chr10-100988763-G-A. GRCh37 (hg19) VCF-style: chr10-102748520-G-A.
Other names: c.553G>A, p.Val185Ile (NM_001163812.2); c.-119-881G>A (NM_001163814.2, NM_001163813.2); c.-57-943G>A (NM_001368275.1); short protein forms V185I.
Identifiers: ClinVar variation 3372289 (VCV003372289.1).

ClinVar aggregate classification (germline): Uncertain significance (1 of 4 stars; one submission).

Submission:

GeneDx
Classification: Uncertain significance. Last evaluated: 2024-04-12. Review status: criteria provided, single submitter. Criteria: GeneDx Variant Classification Process June 2021. Collection method: clinical testing. Allele origin: germline. Affected: yes.
Comment: Has not been previously published as pathogenic or benign to our knowledge; Not observed at significant frequency in large population cohorts (gnomAD); In silico analysis indicates that this missense variant does not alter protein structure/function